The following is an entry in ClinVar:

NM_004525.3(LRP2):c.10362C>T (p.Ile3454=)

Gene: LRP2 (LDL receptor related protein 2; minus strand). Cytogenetic location: 2q31.1.
Variant type: single nucleotide variant.
Coding change: c.10362C>T on transcript NM_004525.3 (MANE Select); coding-DNA position 10362, C replaced by T.
Protein change: p.Ile3454=; no amino-acid change (isoleucine 3454 retained).
Molecular consequence: synonymous variant.
Genome position (GRCh38, 1-based): chr2:169,177,834, G>A on the plus strand (C>T on the coding strand, the complement: LRP2 is on the minus strand). VCF-style: chr2-169177834-G-A. GRCh37 (hg19) VCF-style: chr2-170034344-G-A.
Identifiers: ClinVar variation 764955 (VCV000764955.9), dbSNP rs749734693, ClinGen allele CA1953384.
Genomic context (GRCh38, chr2:169,177,834, plus strand): 5'-CTTGCCAAACCCCTCAATCACCTACTCACCAATGGGCTGCCTATATGGATGGTACACATG[G>A]ATGTCAAATGGTCTGTGTGTTGTGTTCACCAGTGTCTGTCTATTTGATCCATCATATTTG-3'
Protein context (NP_004516.2, residues 3444-3464): LVNTTHRPFD[Ile3454=]HVYHPYRQPI

ClinVar aggregate classification (germline): Likely benign. Review status: criteria provided, multiple submitters, no conflicts (2 of 4 stars). 2 submissions from 2 submitters: Likely benign (2). Last evaluated 2025-12-15.

Conditions:
LRP2-related disorder. Also called: LRP2-related condition.

Allele frequency attached by ClinVar (database versions not stated): gnomAD exomes below 0.00001; TOPMed below 0.00001; ExAC 0.00001.
gnomAD v4.1: 3 of 1,614,194 alleles (0.00019%); highest among the groups gnomAD compares: African/African-American, 0.0013%; no homozygotes.

Submissions (2):

PreventionGenetics, part of Exact Sciences
Classification: Likely benign for LRP2-related condition. Last evaluated: 2025-12-15. Review status: criteria provided, single submitter. Criteria: ACMG Guidelines, 2015. Collection method: clinical testing. Allele origin: germline.
Comment: This variant is classified as likely benign based on ACMG/AMP sequence variant interpretation guidelines (Richards et al. 2015 PMID: 25741868, with internal and published modifications).

Labcorp Genetics (formerly Invitae), Labcorp
Classification: Likely benign. Last evaluated: 2022-08-16. Review status: criteria provided, single submitter. Criteria: Invitae Variant Classification Sherloc (09022015). Collection method: clinical testing. Allele origin: germline.